The following is an entry in ClinVar:

NM_004813.4(PEX16):c.311G>A (p.Trp104Ter)

Gene: PEX16 (peroxisomal biogenesis factor 16; minus strand). Cytogenetic location: 11p11.2.
Variant type: single nucleotide variant.
Coding change: c.311G>A on transcript NM_004813.4 (MANE Select); coding-DNA position 311, G replaced by A.
Protein change: p.Trp104Ter; replaces tryptophan 104 with a stop codon.
Molecular consequence: nonsense.
Genome position (GRCh38, 1-based): chr11:45,915,751, C>T on the plus strand (G>A on the coding strand, the complement: PEX16 is on the minus strand). VCF-style: chr11-45915751-C-T. GRCh37 (hg19) VCF-style: chr11-45937302-C-T.
Other names: c.311G>A, p.Trp104Ter (NM_057174.3); short protein forms W104*.
Identifiers: ClinVar variation 2728726 (VCV002728726.3), dbSNP rs765872761, ClinGen allele CA5960020.

ClinVar aggregate classification (germline): Pathogenic (1 of 4 stars; one submission).

Conditions:
Peroxisome biogenesis disorder. Identifiers: Orphanet 79189, MedGen C1832200, MONDO:0019234. Disease mechanism: loss of function.

Allele frequency attached by ClinVar (database versions not stated): ExAC 0.00001; gnomAD exomes below 0.00001.

Submission:

Labcorp Genetics (formerly Invitae), Labcorp
Classification: Pathogenic for Peroxisome biogenesis disorder. Last evaluated: 2023-06-25. Review status: criteria provided, single submitter. Criteria: Invitae Variant Classification Sherloc (09022015). Collection method: clinical testing. Allele origin: germline.
Comment: This variant has not been reported in the literature in individuals affected with PEX16-related conditions. For these reasons, this variant has been classified as Pathogenic. This variant is present in population databases (rs765872761, gnomAD 0.003%). This sequence change creates a premature translational stop signal (p.Trp104*) in the PEX16 gene. It is expected to result in an absent or disrupted protein product. Loss-of-function variants in PEX16 are known to be pathogenic (PMID: 9837814, 11890679, 20647552, 20681997).

Literature cited by the submitters: PubMed 9837814; PubMed 11890679; PubMed 20647552; PubMed 20681997.